The following is an entry in ClinVar:

NM_000722.4(CACNA2D1):c.508A>G (p.Thr170Ala)

Gene: CACNA2D1 (calcium voltage-gated channel auxiliary subunit alpha2delta 1; minus strand). Cytogenetic location: 7q21.11.
Variant type: single nucleotide variant.
Coding change: c.508A>G on transcript NM_000722.4 (MANE Select); coding-DNA position 508, A replaced by G.
Protein change: p.Thr170Ala; replaces threonine 170 with alanine.
Molecular consequence: missense variant.
Genome position (GRCh38, 1-based): chr7:82,117,062, T>C on the plus strand (A>G on the coding strand, the complement: CACNA2D1 is on the minus strand). VCF-style: chr7-82117062-T-C. GRCh37 (hg19) VCF-style: chr7-81746378-T-C.
Other names: c.508A>G, p.Thr170Ala (NM_001302890.2, NM_001366867.1); short protein forms T170A.
Identifiers: ClinVar variation 1713745 (VCV001713745.5), dbSNP rs2487077468, ClinGen allele CA368016989.

ClinVar aggregate classification (germline): Uncertain significance (1 of 4 stars; one submission).

Conditions:
Brugada syndrome. Also called: Sudden unexpected nocturnal death syndrome; Sudden Unexplained Death Syndrome; Sudden Unexplained Nocturnal Death Syndrome (SUNDS); Sudden unexplained nocturnal death syndrome. Identifiers: Orphanet 130, MedGen C1142166, MONDO:0015263.

gnomAD v4.1: 2 of 1,613,832 alleles (0.00012%); highest among the groups gnomAD compares: Non-Finnish European, 0.00017%; no homozygotes.

Submission:

Labcorp Genetics (formerly Invitae), Labcorp
Classification: Uncertain significance for Brugada syndrome. Last evaluated: 2022-07-25. Review status: criteria provided, single submitter. Criteria: Invitae Variant Classification Sherloc (09022015). Collection method: clinical testing. Allele origin: germline.
Comment: In summary, the available evidence is currently insufficient to determine the role of this variant in disease. Therefore, it has been classified as a Variant of Uncertain Significance. Algorithms developed to predict the effect of missense changes on protein structure and function are either unavailable or do not agree on the potential impact of this missense change (SIFT: "Tolerated"; PolyPhen-2: "Probably Damaging"; Align-GVGD: "Class C0"). This variant has not been reported in the literature in individuals affected with CACNA2D1-related conditions. This variant is not present in population databases (gnomAD no frequency). This sequence change replaces threonine, which is neutral and polar, with alanine, which is neutral and non-polar, at codon 170 of the CACNA2D1 protein (p.Thr170Ala).